The following is an entry in ClinVar:

NM_000094.4(COL7A1):c.7268A>G (p.Glu2423Gly)

Gene: COL7A1 (collagen type VII alpha 1 chain; minus strand). Cytogenetic location: 3p21.31.
Variant type: single nucleotide variant.
Coding change: c.7268A>G on transcript NM_000094.4 (MANE Select); coding-DNA position 7268, A replaced by G.
Protein change: p.Glu2423Gly; replaces glutamic acid 2423 with glycine.
Molecular consequence: missense variant.
Genome position (GRCh38, 1-based): chr3:48,570,865, T>C on the plus strand (A>G on the coding strand, the complement: COL7A1 is on the minus strand). VCF-style: chr3-48570865-T-C. GRCh37 (hg19) VCF-style: chr3-48608298-T-C.
Other names: short protein forms E2423G.
Identifiers: ClinVar variation 3036355 (VCV003036355.2), dbSNP rs2530870663, ClinGen allele CA352649772.

ClinVar aggregate classification (germline): Uncertain significance (0 of 4 stars; one submission).

Conditions:
COL7A1-related disorder. Also called: COL7A1- related disorders; COL7A1-related condition.

Allele frequency attached by ClinVar (database versions not stated): gnomAD exomes below 0.00001.

Submission:

PreventionGenetics, part of Exact Sciences
Classification: Uncertain significance for COL7A1-related condition. Last evaluated: 2023-12-17. Review status: no assertion criteria provided. Collection method: clinical testing. Allele origin: germline.
Comment: The COL7A1 c.7268A>G variant is predicted to result in the amino acid substitution p.Glu2423Gly. This variant has been reported along with a frameshift variant in an individual with autosomal recessive dystrophic epidermolysis bullosa (Appendix 1, Varki et al. 2007. PubMed ID: 16971478). This variant has not been reported in a large population database, indicating this variant is rare. Although we suspect that this variant may be pathogenic, at this time, the clinical significance of this variant is uncertain due to the absence of conclusive functional and genetic evidence.